The following is an entry in ClinVar:

ClinVar aggregate classification (germline): Likely benign. Review status: criteria provided, single submitter (1 of 4 stars). 2 submissions from 2 submitters: Likely benign (1). 1 of the submissions does not count toward it. Last evaluated 2024-11-11.

Conditions:
KRT6B-related disorder. Also called: KRT6B-related condition.

Allele frequency attached by ClinVar (database versions not stated): ExAC 0.00054; 1000 Genomes Project 30x 0.00125.

Submissions (2):

Blueprint Genetics
Classification: Likely benign. Last evaluated: 2024-11-11. Review status: criteria provided, single submitter. Criteria: ACMG Guidelines, 2015. Collection method: clinical testing. Allele origin: germline.

PreventionGenetics, part of Exact Sciences
Classification: Likely benign for KRT6B-related condition. Last evaluated: 2019-02-21. Review status: no assertion criteria provided. Collection method: clinical testing. Allele origin: germline. Not counted in ClinVar's aggregate classification.
Comment: This variant is classified as likely benign based on ACMG/AMP sequence variant interpretation guidelines (Richards et al. 2015 PMID: 25741868, with internal and published modifications).

NM_005555.4(KRT6B):c.285C>T (p.Gly95=)

Gene: KRT6B (keratin 6B; minus strand). Cytogenetic location: 12q13.13.
Variant type: single nucleotide variant.
Coding change: c.285C>T on transcript NM_005555.4 (MANE Select); coding-DNA position 285, C replaced by T.
Protein change: p.Gly95=; no amino-acid change (glycine 95 retained).
Molecular consequence: synonymous variant.
Genome position (GRCh38, 1-based): chr12:52,451,794, G>A on the plus strand (C>T on the coding strand, the complement: KRT6B is on the minus strand). VCF-style: chr12-52451794-G-A. GRCh37 (hg19) VCF-style: chr12-52845578-G-A.
Identifiers: ClinVar variation 3037801 (VCV003037801.3), dbSNP rs780076492, ClinGen allele CA6580898.
Genomic context (GRCh38, chr12:52,451,794, plus strand): 5'-TCCACCACCCAGACCAAAGCCAATGCCGGCTCCACCACCGAAACCAAATCCACTCCCGGC[G>A]CCACCAAAGCCATAGCTGCCTCCGGCTCTGCTGCCATAGCCGCCACTGATGGCACAGCTG-3'
Protein context (NP_005546.2, residues 85-105): SRAGGSYGFG[Gly95=]AGSGFGFGGG